The following is an entry in ClinVar:

NM_018060.4(IARS2):c.603T>C (p.Arg201=)

Gene: IARS2 (isoleucyl-tRNA synthetase 2, mitochondrial; plus strand). Cytogenetic location: 1q41.
Variant type: single nucleotide variant.
Coding change: c.603T>C on transcript NM_018060.4 (MANE Select); coding-DNA position 603, T replaced by C.
Protein change: p.Arg201=; no amino-acid change (arginine 201 retained).
Molecular consequence: synonymous variant.
Genome position (GRCh38, 1-based): chr1:220,102,181, T>C. VCF-style: chr1-220102181-T-C. GRCh37 (hg19) VCF-style: chr1-220275523-T-C.
Identifiers: ClinVar variation 2639908 (VCV002639908.24), dbSNP rs2528501756, ClinGen allele CA423260993.

ClinVar aggregate classification (germline): Likely benign (1 of 4 stars; one submission).

Submission:

CeGaT Center for Human Genetics Tuebingen
Classification: Likely benign. Last evaluated: 2023-02-01. Review status: criteria provided, single submitter. Criteria: CeGaT Center For Human Genetics Tuebingen Variant Classification Criteria Version 2. Collection method: clinical testing. Allele origin: germline. Affected: yes. Observed: 1 variant allele.
Comment: IARS2: PM2:Supporting, BP4, BP7